The following is an entry in ClinVar:

ClinVar aggregate classification (germline): Uncertain significance (1 of 4 stars; one submission).

Allele frequency attached by ClinVar (database versions not stated): gnomAD exomes below 0.00001 and 0.00001.
gnomAD v4.1: 9 of 1,614,126 alleles (0.00056%); highest among the groups gnomAD compares: Non-Finnish European, 0.00076%; no homozygotes.

Submission:

Labcorp Genetics (formerly Invitae), Labcorp
Classification: Uncertain significance. Last evaluated: 2021-11-23. Review status: criteria provided, single submitter. Criteria: Invitae Variant Classification Sherloc (09022015). Collection method: clinical testing. Allele origin: germline.
Comment: This sequence change replaces glycine, which is neutral and non-polar, with valine, which is neutral and non-polar, at codon 1465 of the LRP2 protein (p.Gly1465Val). This variant is present in population databases (no rsID available, gnomAD 0.0009%). This variant has not been reported in the literature in individuals affected with LRP2-related conditions. Advanced modeling of protein sequence and biophysical properties (such as structural, functional, and spatial information, amino acid conservation, physicochemical variation, residue mobility, and thermodynamic stability) performed at Invitae indicates that this missense variant is not expected to disrupt LRP2 protein function. In summary, the available evidence is currently insufficient to determine the role of this variant in disease. Therefore, it has been classified as a Variant of Uncertain Significance.

NM_004525.3(LRP2):c.4394G>T (p.Gly1465Val)

Gene: LRP2 (LDL receptor related protein 2; minus strand). Cytogenetic location: 2q31.1.
Variant type: single nucleotide variant.
Coding change: c.4394G>T on transcript NM_004525.3 (MANE Select); coding-DNA position 4394, G replaced by T.
Protein change: p.Gly1465Val; replaces glycine 1465 with valine.
Molecular consequence: missense variant.
Genome position (GRCh38, 1-based): chr2:169,238,203, C>A on the plus strand (G>T on the coding strand, the complement: LRP2 is on the minus strand). VCF-style: chr2-169238203-C-A. GRCh37 (hg19) VCF-style: chr2-170094713-C-A.
Other names: short protein forms G1465V.
Identifiers: ClinVar variation 1358791 (VCV001358791.3), dbSNP rs1363315477, ClinGen allele CA349144680.